The following is an entry in ClinVar:

NM_006269.2(RP1):c.736A>T (p.Ile246Phe)

Gene: RP1 (RP1 axonemal microtubule associated; plus strand). Cytogenetic location: 8q12.1.
Variant type: single nucleotide variant.
Coding change: c.736A>T on transcript NM_006269.2 (MANE Select); coding-DNA position 736, A replaced by T.
Protein change: p.Ile246Phe; replaces isoleucine 246 with phenylalanine.
Molecular consequence: missense variant.
Genome position (GRCh38, 1-based): chr8:54,622,237, A>T. VCF-style: chr8-54622237-A-T. GRCh37 (hg19) VCF-style: chr8-55534797-A-T.
Other names: c.736A>T, p.Ile246Phe (NM_001375654.1); short protein forms I246F.
Identifiers: ClinVar variation 1063520 (VCV001063520.9), dbSNP rs550073225, ClinGen allele CA4751249.

ClinVar aggregate classification (germline): Uncertain significance (1 of 4 stars; one submission).

Allele frequency attached by ClinVar (database versions not stated): gnomAD exomes below 0.00001; ExAC 0.00001; gnomAD 0.00001; 1000 Genomes Project 30x 0.00016; 1000 Genomes Project 0.00020.
gnomAD v4.1: 3 of 1,614,184 alleles (0.00019%); highest among the groups gnomAD compares: East Asian, 0.0022%; no homozygotes.

Submission:

Labcorp Genetics (formerly Invitae), Labcorp
Classification: Uncertain significance. Last evaluated: 2022-02-10. Review status: criteria provided, single submitter. Criteria: Invitae Variant Classification Sherloc (09022015). Collection method: clinical testing. Allele origin: germline.
Comment: This sequence change replaces isoleucine, which is neutral and non-polar, with phenylalanine, which is neutral and non-polar, at codon 246 of the RP1 protein (p.Ile246Phe). This variant is present in population databases (rs550073225, gnomAD 0.006%). This variant has not been reported in the literature in individuals affected with RP1-related conditions. ClinVar contains an entry for this variant (Variation ID: 1063520). Algorithms developed to predict the effect of missense changes on protein structure and function are either unavailable or do not agree on the potential impact of this missense change (SIFT: "Deleterious"; PolyPhen-2: "Possibly Damaging"; Align-GVGD: "Class C0"). In summary, the available evidence is currently insufficient to determine the role of this variant in disease. Therefore, it has been classified as a Variant of Uncertain Significance.